The following is an entry in ClinVar:

ClinVar aggregate classification (germline): Likely benign. Review status: criteria provided, multiple submitters, no conflicts (2 of 4 stars). 2 submissions from 2 submitters: Likely benign (2). Last evaluated 2026-05-14.

Conditions:
SACS-related disorder. Also called: SACS-related condition.
Spastic paraplegia. Identifiers: MedGen C0037772, HP:0001258.

Allele frequency attached by ClinVar (database versions not stated): gnomAD exomes below 0.00001 and 0.00002; gnomAD 0.00001; ExAC 0.00002; TOPMed 0.00002.
gnomAD v4.1: 8 of 1,613,948 alleles (0.0005%); highest among the groups gnomAD compares: Admixed American, 0.0067%; no homozygotes.

Submissions (2):

PreventionGenetics, part of Exact Sciences
Classification: Likely benign for SACS-related condition. Last evaluated: 2026-05-14. Review status: criteria provided, single submitter. Criteria: ACMG Guidelines, 2015. Collection method: clinical testing. Allele origin: germline.
Comment: This variant is classified as likely benign based on ACMG/AMP sequence variant interpretation guidelines (Richards et al. 2015 PMID: 25741868, with internal and published modifications).

Labcorp Genetics (formerly Invitae), Labcorp
Classification: Likely benign for Spastic paraplegia. Last evaluated: 2023-07-25. Review status: criteria provided, single submitter. Criteria: Invitae Variant Classification Sherloc (09022015). Collection method: clinical testing. Allele origin: germline.

NM_014363.6(SACS):c.1209C>T (p.Ile403=)

Gene: SACS (sacsin molecular chaperone; minus strand). Cytogenetic location: 13q12.12.
Variant type: single nucleotide variant.
Coding change: c.1209C>T on transcript NM_014363.6 (MANE Select); coding-DNA position 1209, C replaced by T.
Protein change: p.Ile403=; no amino-acid change (isoleucine 403 retained).
Molecular consequence: synonymous variant.
Genome position (GRCh38, 1-based): chr13:23,355,403, G>A on the plus strand (C>T on the coding strand, the complement: SACS is on the minus strand). VCF-style: chr13-23355403-G-A. GRCh37 (hg19) VCF-style: chr13-23929542-G-A.
Other names: c.768C>T, p.Ile256= (NM_001278055.2); c.1209C>T (NM_014363.5).
Identifiers: ClinVar variation 1577593 (VCV001577593.9), dbSNP rs769400626, ClinGen allele CA6911953.